The following is an entry in ClinVar:

ClinVar aggregate classification (germline): Likely benign (1 of 4 stars; one submission).

Submission:

CeGaT Center for Human Genetics Tuebingen
Classification: Likely benign. Last evaluated: 2026-02-01. Review status: criteria provided, single submitter. Criteria: CeGaT Center For Human Genetics Tuebingen Variant Classification Criteria Version 2. Collection method: clinical testing. Allele origin: germline. Affected: yes. Observed: 1 variant allele.
Comment: RYR1: PM2:Supporting, BP4, BP7

NM_000540.3(RYR1):c.2787G>A (p.Lys929=)

Gene: RYR1 (ryanodine receptor 1; plus strand). Cytogenetic location: 19q13.2.
Variant type: single nucleotide variant.
Coding change: c.2787G>A on transcript NM_000540.3 (MANE Select); coding-DNA position 2787, G replaced by A.
Protein change: p.Lys929=; no amino-acid change (lysine 929 retained).
Molecular consequence: synonymous variant.
Genome position (GRCh38, 1-based): chr19:38,464,639, G>A. VCF-style: chr19-38464639-G-A. GRCh37 (hg19) VCF-style: chr19-38955279-G-A.
Other names: c.2787G>A, p.Lys929= (NM_001042723.2).
Identifiers: ClinVar variation 2582971 (VCV002582971.25), dbSNP rs2514083575, ClinGen allele CA507233970.